The following is an entry in ClinVar:

ClinVar aggregate classification (germline): Conflicting classifications of pathogenicity. Review status: criteria provided, conflicting classifications (1 of 4 stars). 5 submissions from 5 submitters: Pathogenic (1); Likely pathogenic (2); Uncertain significance (1). 1 of the submissions does not count toward it. Last evaluated 2025-07-31.

Conditions:
Pontoneocerebellar hypoplasia. Also called: Pontocerebellar hypoplasia; Non-syndromic pontocerebellar hypoplasia. Identifiers: Orphanet 98523, MedGen C1261175, MONDO:0020135.
Pontocerebellar hypoplasia type 2D (PCH2D). Also called: Progressive cerebello-cerebral atrophy. Identifiers: Orphanet 247198, Orphanet 2524, MedGen C3151140, MONDO:0013438, OMIM 613811.

Submissions (5):

Natera, Inc.
Classification: Likely pathogenic for Pontocerebellar hypoplasia type 2d. Last evaluated: 2025-07-31. Review status: criteria provided, single submitter. Criteria: Natera Variant Classification Schema (03/2026). Collection method: clinical testing. Allele origin: germline.
Comment: The c.1466A>T variant in SEPSECS is a missense variant predicted to cause substitution of aspartic acid to valine at amino acid 489. This variant is rare in the general population with a frequency below the threshold expected for the associated phenotype(s). This variant has been observed in one or more individuals affected with the associated recessive disease, as either homozygous or compound heterozygous with a second variant (PMID: 25044680, 31130284). Additionally, this variant has been observed to segregate in affected family members (PMID: 25044680). Computational prediction algorithms indicate this variant is likely to affect gene or protein function. Given the available evidence, this variant is classified as Likely Pathogenic.

Women's Health and Genetics/Laboratory Corporation of America, LabCorp
Classification: Pathogenic for Pontoneocerebellar hypoplasia. Last evaluated: 2024-12-18. Review status: criteria provided, single submitter. Criteria: LabCorp Variant Classification Summary - May 2015. Collection method: clinical testing. Allele origin: germline.
Comment: Variant summary: SEPSECS c.1466A>T (p.Asp489Val) results in a non-conservative amino acid change located in the O-phosphoseryl-tRNA(Sec) selenium transferase, SepSecS domain (IPR008829) of the encoded protein sequence. Three of four in-silico tools predict a damaging effect of the variant on protein function. The variant was absent in 251190 control chromosomes. c.1466A>T has been reported in the literature in multiple individuals affected with Pontocerebellar Hypoplasia (example, Makrythanasis_2014). These data indicate that the variant is very likely to be associated with disease. To our knowledge, no experimental evidence demonstrating an impact on protein function has been reported. The following publication has been ascertained in the context of this evaluation (PMID: 25044680). ClinVar contains an entry for this variant (Variation ID: 190145). Based on the evidence outlined above, the variant was classified as pathogenic.

Genomic Medicine Center of Excellence, King Faisal Specialist Hospital and Research Centre
Classification: Likely pathogenic for Pontocerebellar hypoplasia type 2D. Last evaluated: 2024-03-14. Review status: criteria provided, single submitter. Criteria: ACMG Guidelines, 2015. Collection method: clinical testing. Allele origin: germline.

GeneDx
Classification: Uncertain significance. Last evaluated: 2019-01-03. Review status: criteria provided, single submitter. Criteria: GeneDx Variant Classification Process June 2021. Collection method: clinical testing. Allele origin: germline. Affected: yes.
Comment: In silico analysis, which includes protein predictors and evolutionary conservation, supports that this variant does not alter protein structure/function; Not observed at a significant frequency in large population cohorts (Lek et al., 2016); This variant is associated with the following publications: (PMID: 31130284, 25044680, 29709707)

OMIM
Classification: Pathogenic for PONTOCEREBELLAR HYPOPLASIA, TYPE 2D. Last evaluated: 2014-10-01. Review status: no assertion criteria provided. Collection method: literature only. Allele origin: germline. Not counted in ClinVar's aggregate classification.

Literature cited by the submitters: PubMed 25044680 (cited by 3 submitters); PubMed 31130284 (cited by Natera, Inc.).

NM_016955.4(SEPSECS):c.1466A>T (p.Asp489Val)

Gene: SEPSECS (Sep (O-phosphoserine) tRNA:Sec (selenocysteine) tRNA synthase; minus strand). Cytogenetic location: 4p15.2.
Variant type: single nucleotide variant.
Coding change: c.1466A>T on transcript NM_016955.4 (MANE Select); coding-DNA position 1466, A replaced by T.
Protein change: p.Asp489Val; replaces aspartic acid 489 with valine.
Molecular consequence: missense variant.
Genome position (GRCh38, 1-based): chr4:25,123,971, T>A on the plus strand (A>T on the coding strand, the complement: SEPSECS is on the minus strand). VCF-style: chr4-25123971-T-A. GRCh37 (hg19) VCF-style: chr4-25125593-T-A.
Other names: SEPSECS, ASP489VAL (rs145703544); short protein forms D489V.
Identifiers: ClinVar variation 190145 (VCV000190145.7), dbSNP rs773876739, ClinGen allele CA199573.